The following is an entry in ClinVar:

NM_006269.2(RP1):c.4307C>T (p.Ser1436Phe)

Gene: RP1 (RP1 axonemal microtubule associated; plus strand). Cytogenetic location: 8q12.1.
Variant type: single nucleotide variant.
Coding change: c.4307C>T on transcript NM_006269.2 (MANE Select); coding-DNA position 4307, C replaced by T.
Protein change: p.Ser1436Phe; replaces serine 1436 with phenylalanine.
Molecular consequence: missense variant. On other transcripts: intron variant (1).
Genome position (GRCh38, 1-based): chr8:54,628,189, C>T. VCF-style: chr8-54628189-C-T. GRCh37 (hg19) VCF-style: chr8-55540749-C-T.
Other names: c.787+5901C>T (NM_001375654.1); c.4307C>T (NM_006269.1); short protein forms S1436F.
Identifiers: ClinVar variation 1387770 (VCV001387770.10), dbSNP rs376134297, ClinGen allele CA4751841.

ClinVar aggregate classification (germline): Uncertain significance. Review status: criteria provided, multiple submitters, no conflicts (2 of 4 stars). 3 submissions from 3 submitters: Uncertain significance (3). Last evaluated 2025-10-23.

Conditions:
Inborn genetic diseases. Identifiers: MedGen C0950123, MeSH D030342.

Allele frequency attached by ClinVar (database versions not stated): ExAC 0.00002; gnomAD 0.00002; gnomAD exomes 0.00002 and 0.00008; TOPMed 0.00002; ESP Exome Variant Server 0.00008.
gnomAD v4.1: 110 of 1,613,842 alleles (0.0068%); highest among the groups gnomAD compares: Non-Finnish European, 0.0091%; no homozygotes.

Submissions (3):

Labcorp Genetics (formerly Invitae), Labcorp
Classification: Uncertain significance. Last evaluated: 2025-10-23. Review status: criteria provided, single submitter. Criteria: Invitae Variant Classification Sherloc (09022015). Collection method: clinical testing. Allele origin: germline.
Comment: This sequence change replaces serine, which is neutral and polar, with phenylalanine, which is neutral and non-polar, at codon 1436 of the RP1 protein (p.Ser1436Phe). This variant is present in population databases (rs376134297, gnomAD 0.006%). This variant has not been reported in the literature in individuals affected with RP1-related conditions. ClinVar contains an entry for this variant (Variation ID: 1387770). An algorithm developed to predict the effect of missense changes on protein structure and function (PolyPhen-2) suggests that this variant is likely to be disruptive. In summary, the available evidence is currently insufficient to determine the role of this variant in disease. Therefore, it has been classified as a Variant of Uncertain Significance.

Blueprint Genetics
Classification: Uncertain significance. Last evaluated: 2024-08-12. Review status: criteria provided, single submitter. Criteria: ACMG Guidelines, 2015. Collection method: clinical testing. Allele origin: germline.

Ambry Genetics
Classification: Uncertain significance for Inborn genetic diseases. Last evaluated: 2023-01-20. Review status: criteria provided, single submitter. Criteria: Ambry Variant Classification Scheme 2023. Collection method: clinical testing. Allele origin: germline.